The following is an entry in ClinVar:

NM_022489.4(INF2):c.2766C>T (p.Arg922=)

Gene: INF2 (inverted formin 2; plus strand). Cytogenetic location: 14q32.33.
Variant type: single nucleotide variant.
Coding change: c.2766C>T on transcript NM_022489.4 (MANE Select); coding-DNA position 2766, C replaced by T.
Protein change: p.Arg922=; no amino-acid change (arginine 922 retained).
Molecular consequence: synonymous variant.
Genome position (GRCh38, 1-based): chr14:104,712,983, C>T. VCF-style: chr14-104712983-C-T. GRCh37 (hg19) VCF-style: chr14-105179320-C-T.
Other names: c.2766C>T, p.Arg922= (NM_001031714.4).
Identifiers: ClinVar variation 386859 (VCV000386859.12), dbSNP rs201044782, ClinGen allele CA7373061.

ClinVar aggregate classification (germline): Likely benign. Review status: criteria provided, multiple submitters, no conflicts (2 of 4 stars). 4 submissions from 4 submitters: Likely benign (4). Last evaluated 2025-01-27.

Conditions:
Charcot-Marie-Tooth disease dominant intermediate E. Also called: CHARCOT-MARIE-TOOTH NEUROPATHY WITH FOCAL SEGMENTAL GLOMERULONEPHRITIS. Identifiers: Orphanet 93114, MedGen C4302667, MONDO:0013758, OMIM 614455.
Focal segmental glomerulosclerosis 5 (FSGS5). Identifiers: Orphanet 656, MedGen C2750475, MONDO:0013191, OMIM 613237.
Inborn genetic diseases. Identifiers: MedGen C0950123, MeSH D030342.

Allele frequency attached by ClinVar (database versions not stated): ExAC 0.00003; gnomAD exomes 0.00004; TOPMed 0.00009; gnomAD 0.00011 and 0.00013; 1000 Genomes Project 30x 0.00016; 1000 Genomes Project 0.00020.
gnomAD v4.1: 115 of 1,612,480 alleles (0.0071%); highest among the groups gnomAD compares: East Asian, 0.2%; no homozygotes.

Submissions (4):

Labcorp Genetics (formerly Invitae), Labcorp
Classification: Likely benign for Charcot-Marie-Tooth disease dominant intermediate E; Focal segmental glomerulosclerosis 5. Last evaluated: 2025-01-27. Review status: criteria provided, single submitter. Criteria: Invitae Variant Classification Sherloc (09022015). Collection method: clinical testing. Allele origin: germline.

Fulgent Genetics
Classification: Likely benign for Focal segmental glomerulosclerosis 5; Charcot-Marie-Tooth disease dominant intermediate E. Last evaluated: 2021-07-08. Review status: criteria provided, single submitter. Criteria: ACMG Guidelines, 2015. Collection method: clinical testing. Allele origin: unknown.

Ambry Genetics
Classification: Likely benign for Inborn genetic diseases. Last evaluated: 2019-07-11. Review status: criteria provided, single submitter. Criteria: Ambry Variant Classification Scheme 2023. Collection method: clinical testing. Allele origin: germline.

GeneDx
Classification: Likely benign. Last evaluated: 2016-06-20. Review status: criteria provided, single submitter. Criteria: GeneDx Variant Classification (06012015). Collection method: clinical testing. Allele origin: germline. Affected: yes.
Comment: This variant is considered likely benign or benign based on one or more of the following criteria: it is a conservative change, it occurs at a poorly conserved position in the protein, it is predicted to be benign by multiple in silico algorithms, and/or has population frequency not consistent with disease.